The following is an entry in ClinVar:

NM_001252024.2(TRPM1):c.4522C>G (p.Pro1508Ala)

Gene: TRPM1 (transient receptor potential cation channel subfamily M member 1; minus strand). Cytogenetic location: 15q13.3.
Variant type: single nucleotide variant.
Coding change: c.4522C>G on transcript NM_001252024.2 (MANE Select); coding-DNA position 4522, C replaced by G.
Protein change: p.Pro1508Ala; replaces proline 1508 with alanine.
Molecular consequence: missense variant.
Genome position (GRCh38, 1-based): chr15:31,002,178, G>C on the plus strand (C>G on the coding strand, the complement: TRPM1 is on the minus strand). VCF-style: chr15-31002178-G-C. GRCh37 (hg19) VCF-style: chr15-31294381-G-C.
Other names: c.4573C>G (NM_001252020.1); c.4573C>G, p.Pro1525Ala (NM_001252020.2); c.4456C>G, p.Pro1486Ala (NM_002420.6); short protein forms P1486A, P1525A, P1508A.
Identifiers: ClinVar variation 1919813 (VCV001919813.6), dbSNP rs747164653, ClinGen allele CA7451626.

ClinVar aggregate classification (germline): Uncertain significance. Review status: criteria provided, multiple submitters, no conflicts (2 of 4 stars). 2 submissions from 2 submitters: Uncertain significance (2). Last evaluated 2025-07-14.

Conditions:
TRPM1-related disorder. Also called: TRPM1-related condition.

Allele frequency attached by ClinVar (database versions not stated): gnomAD exomes below 0.00001; ExAC 0.00001.
gnomAD v4.1: 1 of 1,614,238 alleles (0.000062%); highest among the groups gnomAD compares: Non-Finnish European, 0.000085%; no homozygotes.

Submissions (2):

PreventionGenetics, part of Exact Sciences
Classification: Uncertain significance for TRPM1-related condition. Last evaluated: 2025-07-14. Review status: criteria provided, single submitter. Criteria: ACMG Guidelines, 2015. Collection method: clinical testing. Allele origin: germline.
Comment: The TRPM1 c.4573C>G variant is predicted to result in the amino acid substitution p.Pro1525Ala. To our knowledge, this variant has not been reported in the literature. This variant is reported in 0.00088% of alleles in individuals of European (Non-Finnish) descent in gnomAD. At this time, the clinical significance of this variant is uncertain due to the absence of conclusive functional and genetic evidence.

Labcorp Genetics (formerly Invitae), Labcorp
Classification: Uncertain significance. Last evaluated: 2022-05-20. Review status: criteria provided, single submitter. Criteria: Invitae Variant Classification Sherloc (09022015). Collection method: clinical testing. Allele origin: germline.
Comment: This sequence change replaces proline, which is neutral and non-polar, with alanine, which is neutral and non-polar, at codon 1486 of the TRPM1 protein (p.Pro1486Ala). This variant is present in population databases (rs747164653, gnomAD 0.0009%). This variant has not been reported in the literature in individuals affected with TRPM1-related conditions. Algorithms developed to predict the effect of missense changes on protein structure and function (SIFT, PolyPhen-2, Align-GVGD) all suggest that this variant is likely to be tolerated. In summary, the available evidence is currently insufficient to determine the role of this variant in disease. Therefore, it has been classified as a Variant of Uncertain Significance.